The following is an entry in ClinVar:

ClinVar aggregate classification (germline): Conflicting classifications of pathogenicity. Review status: criteria provided, conflicting classifications (1 of 4 stars). 11 submissions from 11 submitters: Uncertain significance (1); Benign (1); Likely benign (8). 1 of the submissions does not count toward it. Last evaluated 2026-04-01.

Conditions:
Brittle cornea syndrome 1 (BCS1). Also called: CORNEAL FRAGILITY, KERATOGLOBUS, BLUE SCLERAE, JOINT HYPEREXTENSIBILITY; EDS6B; DYSGENESIS MESODERMALIS CORNEAE ET SCLERAE; FRAGILITAS OCULI WITH JOINT HYPEREXTENSIBILITY; Corneal fragility keratoglobus, blue sclerae AND joint hypermobility. Identifiers: Orphanet 90354, MedGen C0268344, MONDO:0024543, OMIM 229200.
ZNF469-related disorder. Also called: ZNF469-related condition.
Cardiovascular phenotype. Identifiers: MedGen CN230736.
Ehlers-Danlos syndrome (EDS). Identifiers: Orphanet 98249, MedGen C0013720, MONDO:0020066.

Allele frequency attached by ClinVar (database versions not stated): gnomAD 0.00073 and 0.00096; TOPMed 0.00085; 1000 Genomes Project 30x 0.00094; gnomAD exomes 0.00101 and 0.00179; 1000 Genomes Project 0.00140; ExAC 0.00381.
gnomAD v4.1: 1,622 of 1,549,936 alleles (0.1%); highest among the groups gnomAD compares: Middle Eastern, 2.3%; 13 homozygotes.

Submissions (11):

Women's Health and Genetics/Laboratory Corporation of America, LabCorp
Classification: Likely benign. Last evaluated: 2026-04-01. Review status: criteria provided, single submitter. Criteria: LabCorp Variant Classification Summary - May 2015. Collection method: clinical testing. Allele origin: germline.
Comment: Variant summary: ZNF469 c.8503G>C (p.Glu2835Gln) results in a conservative amino acid change in the encoded protein sequence. Algorithms developed to predict the effect of missense changes on protein structure and function are either unavailable or do not agree on the potential impact of this missense change. The variant allele was found at a frequency of 0.0018 in 151914 control chromosomes, predominantly at a frequency of 0.0046 within the South Asian subpopulation in the gnomAD database, including 1 homozygotes. The observed variant frequency within South Asian control individuals in the gnomAD database exceeds the estimated maximal expected allele frequency for disease-causing variants in ZNF469. To our knowledge, no occurrence of c.8503G>C in individuals affected with ZNF469-related conditions and no experimental evidence demonstrating its impact on protein function have been reported. ClinVar contains an entry for this variant (Variation ID: 320989). Based on the evidence outlined above, the variant was classified as likely benign.

Labcorp Genetics (formerly Invitae), Labcorp
Classification: Likely benign. Last evaluated: 2026-02-02. Review status: criteria provided, single submitter. Criteria: Invitae Variant Classification Sherloc (09022015). Collection method: clinical testing. Allele origin: germline.

Mayo Clinic Laboratories, Mayo Clinic
Classification: Likely benign. Last evaluated: 2025-09-29. Review status: criteria provided, single submitter. Criteria: ACMG Guidelines, 2015. Collection method: clinical testing. Allele origin: germline. Observed: 10 variant alleles.
Comment: BS1, BP4_moderate

CeGaT Center for Human Genetics Tuebingen
Classification: Likely benign. Last evaluated: 2025-03-01. Review status: criteria provided, single submitter. Criteria: CeGaT Center For Human Genetics Tuebingen Variant Classification Criteria Version 2. Collection method: clinical testing. Allele origin: germline. Affected: yes. Observed: 8 variant alleles.
Comment: ZNF469: BP4, BS2

Blueprint Genetics
Classification: Likely benign. Last evaluated: 2024-11-20. Review status: criteria provided, single submitter. Criteria: ACMG Guidelines, 2015. Collection method: clinical testing. Allele origin: germline.

Ambry Genetics
Classification: Likely benign for Cardiovascular phenotype. Last evaluated: 2022-05-31. Review status: criteria provided, single submitter. Criteria: Ambry Variant Classification Scheme 2023. Collection method: clinical testing. Allele origin: germline.

Genome Diagnostics Laboratory, The Hospital for Sick Children
Classification: Likely benign for Ehlers-Danlos syndrome. Last evaluated: 2021-07-07. Review status: criteria provided, single submitter. Criteria: ACMG Guidelines, 2015. Collection method: clinical testing. Allele origin: germline.

Center for Genomics, Ann and Robert H. Lurie Children's Hospital of Chicago
Classification: Uncertain significance for Brittle cornea syndrome 1. Last evaluated: 2021-03-30. Review status: criteria provided, single submitter. Criteria: ACMG Guidelines, 2015. Collection method: clinical testing. Allele origin: germline.
Comment: ZNF469 NM_001127464.2 p.Glu2807Gln (c.8419G>C): This variant has not been reported in the literature but is present in 0.1% (69/68040) of European alleles, in addition to 1 South Asian homozygote, in the Genome Aggregation Database. This variant is present in ClinVar (Variation ID: 320989). This variant amino acid Glutamine (Gln) is present in several species including multiple mammals and is not well conserved among evolutionarily distant species; this suggests that this variant may not impact the protein. Additional computational prediction tools do not suggest an impact. In summary, data on this variant is insufficient for disease classification. Therefore, the clinical significance of this variant is uncertain.

GeneDx
Classification: Benign. Last evaluated: 2020-02-27. Review status: criteria provided, single submitter. Criteria: GeneDx Variant Classification Process June 2021. Collection method: clinical testing. Allele origin: germline. Affected: yes.

Department of Pathology and Laboratory Medicine, Sinai Health System
Classification: Likely benign for Brittle cornea syndrome 1. Last evaluated: 2019-10-04. Review status: criteria provided, single submitter. Criteria: ACMG Guidelines, 2015. Collection method: research. Allele origin: germline.

PreventionGenetics, part of Exact Sciences
Classification: Likely benign for ZNF469-related condition. Last evaluated: 2021-09-30. Review status: no assertion criteria provided. Collection method: clinical testing. Allele origin: germline. Not counted in ClinVar's aggregate classification.
Comment: This variant is classified as likely benign based on ACMG/AMP sequence variant interpretation guidelines (Richards et al. 2015 PMID: 25741868, with internal and published modifications).

NM_001367624.2(ZNF469):c.8503G>C (p.Glu2835Gln)

Gene: ZNF469 (zinc finger protein 469; plus strand). Cytogenetic location: 16q24.2.
Variant type: single nucleotide variant.
Coding change: c.8503G>C on transcript NM_001367624.2 (MANE Select); coding-DNA position 8503, G replaced by C.
Protein change: p.Glu2835Gln; replaces glutamic acid 2835 with glutamine.
Molecular consequence: missense variant.
Genome position (GRCh38, 1-based): chr16:88,435,973, G>C. VCF-style: chr16-88435973-G-C. GRCh37 (hg19) VCF-style: chr16-88502381-G-C.
Other names: NM_001127464.1:c.8419G>C; NM_001127464.2:c.8419G>C; p.Glu2835Gln; short protein forms E2835Q.
Identifiers: ClinVar variation 320989 (VCV000320989.47), dbSNP rs200153921, ClinGen allele CA8225342.